The following is an entry in ClinVar:

ClinVar aggregate classification (germline): Uncertain significance (1 of 4 stars; one submission).

Conditions:
Epiphyseal dysplasia, multiple, 3 (EDM3). Also called: COL9A3-Related Multiple Epiphyseal Dysplasia; Epiphyseal dysplasia, multiple, 3, with or without myopathy. Identifiers: MedGen C1832998, MONDO:0010964, OMIM 600969.
Autosomal recessive Stickler syndrome. Identifiers: Orphanet 250984, MedGen C5439212, MONDO:0016647.

Allele frequency attached by ClinVar (database versions not stated): ExAC 0.00015.
gnomAD v4.1: 33 of 1,540,520 alleles (0.0021%); highest among the groups gnomAD compares: Middle Eastern, 0.017%; no homozygotes.

Submission:

Labcorp Genetics (formerly Invitae), Labcorp
Classification: Uncertain significance. Last evaluated: 2025-07-27. Review status: criteria provided, single submitter. Criteria: Invitae Variant Classification Sherloc (09022015). Collection method: clinical testing. Allele origin: germline.
Comment: This sequence change replaces proline, which is neutral and non-polar, with threonine, which is neutral and polar, at codon 33 of the COL9A3 protein (p.Pro33Thr). This variant is present in population databases (rs745914662, gnomAD 0.01%). This variant has not been reported in the literature in individuals affected with COL9A3-related conditions. ClinVar contains an entry for this variant (Variation ID: 1426054). Invitae Evidence Modeling of protein sequence and biophysical properties (such as structural, functional, and spatial information, amino acid conservation, physicochemical variation, residue mobility, and thermodynamic stability) indicates that this missense variant is not expected to disrupt COL9A3 protein function with a negative predictive value of 95%. In summary, the available evidence is currently insufficient to determine the role of this variant in disease. Therefore, it has been classified as a Variant of Uncertain Significance.

NM_001853.4(COL9A3):c.97C>A (p.Pro33Thr)

Gene: COL9A3 (collagen type IX alpha 3 chain; plus strand). Cytogenetic location: 20q13.33.
Variant type: single nucleotide variant.
Coding change: c.97C>A on transcript NM_001853.4 (MANE Select); coding-DNA position 97, C replaced by A.
Protein change: p.Pro33Thr; replaces proline 33 with threonine.
Molecular consequence: missense variant.
Genome position (GRCh38, 1-based): chr20:62,817,585, C>A. VCF-style: chr20-62817585-C-A. GRCh37 (hg19) VCF-style: chr20-61448937-C-A.
Other names: c.97C>A (NM_001853.3); short protein forms P33T.
Identifiers: ClinVar variation 1426054 (VCV001426054.9), dbSNP rs745914662, ClinGen allele CA9949002.
Genomic context (GRCh38, chr20:62,817,585, plus strand): 5'-ACGGGGGCACCTGCGCTCCTTAATGAGTTTTCTCCGTTTCAGAGAGTGGGACTCCCCGGC[C>A]CCCCCGGCCCCCCAGGGCCGCCCGGGAAGCCCGGCCAGGACGGCATTGACGTGAGTTTGG-3'
Protein context (NP_001844.3, residues 23-43): AGAQRVGLPG[Pro33Thr]PGPPGPPGKP